The following is an entry in ClinVar:

NM_004006.3(DMD):c.5650A>G (p.Arg1884Gly)

Gene: DMD (dystrophin; minus strand). Cytogenetic location: Xp21.1.
Variant type: single nucleotide variant.
Coding change: c.5650A>G on transcript NM_004006.3 (MANE Select); coding-DNA position 5650, A replaced by G.
Protein change: p.Arg1884Gly; replaces arginine 1884 with glycine.
Molecular consequence: missense variant.
Genome position (GRCh38, 1-based): chrX:32,343,223, T>C on the plus strand (A>G on the coding strand, the complement: DMD is on the minus strand). VCF-style: chrX-32343223-T-C. GRCh37 (hg19) VCF-style: chrX-32361340-T-C.
Other names: c.5626A>G, p.Arg1876Gly (NM_000109.4); c.5638A>G, p.Arg1880Gly (NM_004009.3); c.5281A>G, p.Arg1761Gly (NM_004010.3); c.1627A>G, p.Arg543Gly (NM_004011.4); c.1618A>G, p.Arg540Gly (NM_004012.4); short protein forms R1884G, R1876G, R543G, R540G, R1761G, R1880G.
Identifiers: ClinVar variation 526075 (VCV000526075.9), dbSNP rs1557291149, ClinGen allele CA412666051.

ClinVar aggregate classification (germline): Uncertain significance (1 of 4 stars; one submission).

Conditions:
Duchenne muscular dystrophy (DMD). Also called: Duchenne Muscular Dystrophy (DMD); MUSCULAR DYSTROPHY, PSEUDOHYPERTROPHIC PROGRESSIVE, DUCHENNE TYPE. Identifiers: Orphanet 98896, MedGen C0013264, MONDO:0010679, OMIM 310200.

Allele frequency attached by ClinVar (database versions not stated): gnomAD exomes 0.00001.
gnomAD v4.1: 7 of 1,208,878 alleles (0.00058%); highest among the groups gnomAD compares: Non-Finnish European, 0.00078%; no homozygotes.

Submission:

Labcorp Genetics (formerly Invitae), Labcorp
Classification: Uncertain significance for Duchenne muscular dystrophy. Last evaluated: 2017-10-30. Review status: criteria provided, single submitter. Criteria: Invitae Variant Classification Sherloc (09022015). Collection method: clinical testing. Allele origin: germline.
Comment: This sequence change replaces arginine with glycine at codon 1884 of the DMD protein (p.Arg1884Gly). The arginine residue is highly conserved and there is a moderate physicochemical difference between arginine and glycine. This variant is not present in population databases (ExAC no frequency). This variant has not been reported in the literature in individuals with DMD-related disease. Algorithms developed to predict the effect of missense changes on protein structure and function do not agree on the potential impact of this missense change (SIFT: "Deleterious"; PolyPhen-2: "Benign"; Align-GVGD: "Class C0"). In summary, the available evidence is currently insufficient to determine the role of this variant in disease. Therefore, it has been classified as a Variant of Uncertain Significance.